The following is an entry in ClinVar:

ClinVar aggregate classification (germline): Uncertain significance (1 of 4 stars; one submission).

Allele frequency attached by ClinVar (database versions not stated): TOPMed below 0.00001; gnomAD exomes 0.00001; ExAC 0.00002.
gnomAD v4.1: 7 of 1,613,398 alleles (0.00043%); highest among the groups gnomAD compares: East Asian, 0.016%; no homozygotes.

Submission:

Women's Health and Genetics/Laboratory Corporation of America, LabCorp
Classification: Uncertain significance. Last evaluated: 2023-06-26. Review status: criteria provided, single submitter. Criteria: LabCorp Variant Classification Summary - May 2015. Collection method: clinical testing. Allele origin: germline.
Comment: Variant summary: RNASEH2B c.263C>G (p.Ala88Gly) results in a non-conservative amino acid change in the encoded protein sequence. Five of five in-silico tools predict a damaging effect of the variant on protein function. The variant allele was found at a frequency of 4.7e-05 in 360006 control chromosomes (gnomAD and jMorp (Tadaka_2021) databases). This frequency is not significantly higher than estimated for a pathogenic variant in RNASEH2B causing Aicardi Goutieres Syndrome (4.7e-05 vs 0.00067), allowing no conclusion about variant significance. c.263C>G has been reported in the literature in at least one compound heterozygous individual affected with Aicardi Goutieres Syndrome (e.g., Rice_2013, Crow_2015). These data do not allow any conclusion about variant significance. To our knowledge, no experimental evidence demonstrating an impact on protein function has been reported. The following publications have been ascertained in the context of this evaluation (PMID: 25604658, 24183309, 33179747). No submitters have cited clinical-significance assessments for this variant to ClinVar after 2014. Based on the evidence outlined above, the variant was classified as uncertain significance.

Literature cited by the submitters: PubMed 25604658; PubMed 24183309; PubMed 33179747.

NM_024570.4(RNASEH2B):c.263C>G (p.Ala88Gly)

Gene: RNASEH2B (ribonuclease H2 subunit B; plus strand). Cytogenetic location: 13q14.3.
Variant type: single nucleotide variant.
Coding change: c.263C>G on transcript NM_024570.4 (MANE Select); coding-DNA position 263, C replaced by G.
Protein change: p.Ala88Gly; replaces alanine 88 with glycine.
Molecular consequence: missense variant.
Genome position (GRCh38, 1-based): chr13:50,930,701, C>G. VCF-style: chr13-50930701-C-G. GRCh37 (hg19) VCF-style: chr13-51504837-C-G.
Other names: c.263C>G, p.Ala88Gly (NM_001142279.2, NM_001411023.1); short protein forms A88G.
Identifiers: ClinVar variation 2573615 (VCV002573615.1), dbSNP rs777149786, ClinGen allele CA6985516.